The following is an entry in ClinVar:

NM_006258.4(PRKG1):c.1654A>G (p.Ile552Val)

Gene: PRKG1 (protein kinase cGMP-dependent 1; plus strand). Cytogenetic location: 10q21.1.
Variant type: single nucleotide variant.
Coding change: c.1654A>G on transcript NM_006258.4 (MANE Select); coding-DNA position 1654, A replaced by G.
Protein change: p.Ile552Val; replaces isoleucine 552 with valine.
Molecular consequence: missense variant.
Genome position (GRCh38, 1-based): chr10:52,282,261, A>G. VCF-style: chr10-52282261-A-G. GRCh37 (hg19) VCF-style: chr10-54042021-A-G.
Other names: c.1609A>G, p.Ile537Val (NM_001098512.3); c.445A>G, p.Ile149Val (NM_001374781.1); short protein forms I552V, I149V, I537V.
Identifiers: ClinVar variation 3425456 (VCV003425456.2).
Genomic context (GRCh38, chr10:52,282,261, plus strand): 5'-ACTTTTTGTGGGACTCCAGAGTATGTAGCCCCAGAGATCATCCTGAACAAAGGCCATGAC[A>G]TTTCAGCCGACTACTGGTCACTGGGAATCCTAATGTATGAACTCCTGACTGGCAGGTATG-3'
Protein context (NP_006249.1, residues 542-562): PEIILNKGHD[Ile552Val]SADYWSLGIL

ClinVar aggregate classification (germline): Uncertain significance. Review status: criteria provided, multiple submitters, no conflicts (2 of 4 stars). 2 submissions from 2 submitters: Uncertain significance (2). Last evaluated 2025-11-01.

Conditions:
Familial thoracic aortic aneurysm and aortic dissection (TAAD). Also called: Thoracic aortic aneurysms and dissections. Identifiers: Orphanet 91387, MedGen C4707243, MONDO:0019625.
Aortic aneurysm, familial thoracic 8 (AAT8). Identifiers: MedGen C3809513, MONDO:0014187, OMIM 615436.

gnomAD v4.1: 5 of 1,610,876 alleles (0.00031%); highest among the groups gnomAD compares: Middle Eastern, 0.033%; no homozygotes.

Submissions (2):

Labcorp Genetics (formerly Invitae), Labcorp
Classification: Uncertain significance for Aortic aneurysm, familial thoracic 8. Last evaluated: 2025-11-01. Review status: criteria provided, single submitter. Criteria: Invitae Variant Classification Sherloc (09022015). Collection method: clinical testing. Allele origin: germline.
Comment: This sequence change replaces isoleucine, which is neutral and non-polar, with valine, which is neutral and non-polar, at codon 552 of the PRKG1 protein (p.Ile552Val). This variant is present in population databases (rs756192634, gnomAD 0.0009%). This variant has not been reported in the literature in individuals affected with PRKG1-related conditions. ClinVar contains an entry for this variant (Variation ID: 3425456). An algorithm developed to predict the effect of missense changes on protein structure and function (PolyPhen-2) suggests that this variant is likely to be tolerated. In summary, the available evidence is currently insufficient to determine the role of this variant in disease. Therefore, it has been classified as a Variant of Uncertain Significance.

Ambry Genetics
Classification: Uncertain significance for Familial thoracic aortic aneurysm and aortic dissection. Last evaluated: 2024-11-01. Review status: criteria provided, single submitter. Criteria: Ambry Variant Classification Scheme 2023. Collection method: clinical testing. Allele origin: germline.
Comment: The p.I552V variant (also known as c.1654A>G), located in coding exon 14 of the PRKG1 gene, results from an A to G substitution at nucleotide position 1654. The isoleucine at codon 552 is replaced by valine, an amino acid with highly similar properties. This amino acid position is conserved. In addition, the in silico prediction for this alteration is inconclusive. Based on the available evidence, the clinical significance of this variant remains unclear.